The following is an entry in ClinVar:

NM_007294.4(BRCA1):c.2658T>G (p.Ser886=)

Gene: BRCA1 (BRCA1 DNA repair associated; minus strand). Cytogenetic location: 17q21.31.
Variant type: single nucleotide variant.
Coding change: c.2658T>G on transcript NM_007294.4 (MANE Select); coding-DNA position 2658, T replaced by G.
Protein change: p.Ser886=; no amino-acid change (serine 886 retained).
Molecular consequence: synonymous variant. On other transcripts: intron variant (137).
Genome position (GRCh38, 1-based): chr17:43,092,873, A>C on the plus strand (T>G on the coding strand, the complement: BRCA1 is on the minus strand). VCF-style: chr17-43092873-A-C. GRCh37 (hg19) VCF-style: chr17-41244890-A-C.
Other names: c.647-1841T>G (NM_001408469.1, NM_001408453.1, NM_001408461.1 and 11 more transcripts); c.785-1841T>G (NM_001408397.1, NM_001408401.1, NM_001408396.1 and 13 more transcripts); c.665-1841T>G (NM_001408436.1, NM_001408444.1, NM_001408438.1 and 12 more transcripts); c.788-1841T>G (NM_001407980.1, NM_001407993.1, NM_001407976.1 and 17 more transcripts); c.653-1841T>G (NM_001408451.1); c.644-1841T>G (NM_001408464.1, NM_001408468.1, NM_001408465.1 and 3 more transcripts); c.524-1841T>G (NM_001408498.1, NM_001408501.1, NM_001408500.1 and 3 more transcripts); c.584-1841T>G (NM_001408475.1); and 41 more.
Identifiers: ClinVar variation 506339 (VCV000506339.18), dbSNP rs1555589207, ClinGen allele CA500232327.

ClinVar aggregate classification (germline): Likely benign. Review status: criteria provided, multiple submitters, no conflicts (2 of 4 stars). 5 submissions from 5 submitters: Likely benign (5). Last evaluated 2024-03-01.

Conditions:
Hereditary breast ovarian cancer syndrome. Also called: Breast and ovarian cancer; Hereditary breast and/or ovarian cancer syndrome; BRCA1- and BRCA2-Associated Hereditary Breast and Ovarian Cancer; Hereditary breast and ovarian cancer syndrome; Hereditary breast and ovarian cancer syndrome (HBOC); Hereditary breast and ovarian cancer. Identifiers: Orphanet 145, MedGen C0677776, MeSH D061325, MONDO:0003582. Disease mechanism: loss of function.
Breast-ovarian cancer, familial, susceptibility to, 1 (BROVCA1). Also called: BRCA1 Hereditary Breast and Ovarian Cancer; OVARIAN CANCER, SUSCEPTIBILITY TO. Identifiers: Orphanet 145, MedGen C2676676, MONDO:0011450, OMIM 604370. Disease mechanism: loss of function.
Hereditary cancer-predisposing syndrome. Also called: Tumor predisposition; Hereditary Cancer Syndrome; Hereditary neoplastic syndrome; Neoplastic Syndromes, Hereditary. Identifiers: Orphanet 140162, MedGen C0027672, MeSH D009386, MONDO:0015356.

Submissions (5):

Labcorp Genetics (formerly Invitae), Labcorp
Classification: Likely benign for Hereditary breast ovarian cancer syndrome. Last evaluated: 2024-03-01. Review status: criteria provided, single submitter. Criteria: Invitae Variant Classification Sherloc (09022015). Collection method: clinical testing. Allele origin: germline.

All of Us Research Program, National Institutes of Health
Classification: Likely benign for Breast-ovarian cancer, familial, susceptibility to, 1. Last evaluated: 2023-02-22. Review status: criteria provided, single submitter. Criteria: ACMG Guidelines, 2015. Collection method: clinical testing. Allele origin: germline. Inheritance: Autosomal dominant inheritance. Observed: 1 variant allele, 1 heterozygote.
Comment: This study involves interpretation of variants in research participants for the purpose of population health screening. Participant phenotype was not available at the time of variant classification. Additional details can be found in publication PMID: 35346344, PMCID: PMC8962531

Color Diagnostics, LLC DBA Color Health
Classification: Likely benign for Hereditary cancer-predisposing syndrome. Last evaluated: 2021-07-16. Review status: criteria provided, single submitter. Criteria: ACMG Guidelines, 2015. Collection method: clinical testing. Allele origin: germline.

Ambry Genetics
Classification: Likely benign for Hereditary cancer-predisposing syndrome. Last evaluated: 2018-05-31. Review status: criteria provided, single submitter. Criteria: Ambry Variant Classification Scheme 2023. Collection method: clinical testing. Allele origin: germline.

GeneDx
Classification: Likely benign. Last evaluated: 2018-02-20. Review status: criteria provided, single submitter. Criteria: GeneDx Variant Classification (06012015). Collection method: clinical testing. Allele origin: germline. Affected: yes.
Comment: This variant is considered likely benign or benign based on one or more of the following criteria: it is a conservative change, it occurs at a poorly conserved position in the protein, it is predicted to be benign by multiple in silico algorithms, and/or has population frequency not consistent with disease.